The following is an entry in ClinVar:

ClinVar aggregate classification (germline): Benign/Likely benign. Review status: criteria provided, multiple submitters, no conflicts (2 of 4 stars). 6 submissions from 6 submitters: Benign (1); Likely benign (4). 1 of the submissions does not count toward it. Last evaluated 2026-01-04.

Conditions:
Familial meningioma. Also called: Meningioma, familial, susceptibility to. Identifiers: Orphanet 263662, MedGen C3551915, MONDO:0011789, OMIM 607174.
SMARCB1-related schwannomatosis. Also called: SWNTS1; Schwannomatosis 1. Identifiers: Orphanet 93921, MedGen C4048809, MONDO:0024517, OMIM 162091. Disease mechanism: loss of function.
SMARCE1-related disorder. Also called: SMARCE1-related condition.
Hereditary cancer-predisposing syndrome. Also called: Hereditary neoplastic syndrome; Neoplastic Syndromes, Hereditary; Hereditary Cancer Syndrome; Tumor predisposition. Identifiers: Orphanet 140162, MedGen C0027672, MeSH D009386, MONDO:0015356.

Allele frequency attached by ClinVar (database versions not stated): ExAC 0.00008; gnomAD exomes 0.00008 and 0.00009; gnomAD 0.00012; TOPMed 0.00015; 1000 Genomes Project 30x 0.00016; 1000 Genomes Project 0.00020.
gnomAD v4.1: 148 of 1,614,012 alleles (0.0092%); highest among the groups gnomAD compares: African/African-American, 0.027%; no homozygotes.

Submissions (6):

Labcorp Genetics (formerly Invitae), Labcorp
Classification: Likely benign for Familial meningioma. Last evaluated: 2026-01-04. Review status: criteria provided, single submitter. Criteria: Invitae Variant Classification Sherloc (09022015). Collection method: clinical testing. Allele origin: germline.

CeGaT Center for Human Genetics Tuebingen
Classification: Likely benign. Last evaluated: 2025-03-01. Review status: criteria provided, single submitter. Criteria: CeGaT Center For Human Genetics Tuebingen Variant Classification Criteria Version 2. Collection method: clinical testing. Allele origin: germline. Affected: yes. Observed: 1 variant allele.
Comment: SMARCE1: BP4, BP7

KCCC/NGS Laboratory, Kuwait Cancer Control Center
Classification: Benign for SMARCB1-related schwannomatosis. Last evaluated: 2025-02-01. Review status: criteria provided, single submitter. Criteria: ACMG Guidelines, 2015. Collection method: clinical testing. Allele origin: germline. Affected: no.

Blueprint Genetics
Classification: Likely benign. Last evaluated: 2024-09-12. Review status: criteria provided, single submitter. Criteria: ACMG Guidelines, 2015. Collection method: clinical testing. Allele origin: germline.

Ambry Genetics
Classification: Likely benign for Hereditary cancer-predisposing syndrome. Last evaluated: 2017-04-21. Review status: criteria provided, single submitter. Criteria: Ambry Variant Classification Scheme 2023. Collection method: clinical testing. Allele origin: germline.

PreventionGenetics, part of Exact Sciences
Classification: Likely benign for SMARCE1-related condition. Last evaluated: 2024-06-26. Review status: no assertion criteria provided. Collection method: clinical testing. Allele origin: germline. Not counted in ClinVar's aggregate classification.
Comment: This variant is classified as likely benign based on ACMG/AMP sequence variant interpretation guidelines (Richards et al. 2015 PMID: 25741868, with internal and published modifications).

NM_003079.5(SMARCE1):c.579C>T (p.Thr193=)

Gene: SMARCE1 (SWI/SNF related BAF chromatin remodeling complex subunit E1; minus strand). Cytogenetic location: 17q21.2.
Variant type: single nucleotide variant.
Coding change: c.579C>T on transcript NM_003079.5 (MANE Select); coding-DNA position 579, C replaced by T.
Protein change: p.Thr193=; no amino-acid change (threonine 193 retained).
Molecular consequence: synonymous variant.
Genome position (GRCh38, 1-based): chr17:40,632,330, G>A on the plus strand (C>T on the coding strand, the complement: SMARCE1 is on the minus strand). VCF-style: chr17-40632330-G-A. GRCh37 (hg19) VCF-style: chr17-38788582-G-A.
Identifiers: ClinVar variation 463430 (VCV000463430.42), dbSNP rs201484943, ClinGen allele CA8545210.